The following is an entry in ClinVar:

ClinVar aggregate classification (germline): Likely benign. Review status: criteria provided, multiple submitters, no conflicts (2 of 4 stars). 2 submissions from 2 submitters: Likely benign (2). Last evaluated 2024-11-17.

Allele frequency attached by ClinVar (database versions not stated): gnomAD 0.00001; gnomAD exomes 0.00001 and 0.00005; TOPMed 0.00001.
gnomAD v4.1: 84 of 1,614,030 alleles (0.0052%); highest among the groups gnomAD compares: Non-Finnish European, 0.0062%; no homozygotes.

Submissions (2):

Labcorp Genetics (formerly Invitae), Labcorp
Classification: Likely benign. Last evaluated: 2024-11-17. Review status: criteria provided, single submitter. Criteria: Invitae Variant Classification Sherloc (09022015). Collection method: clinical testing. Allele origin: germline.

CeGaT Center for Human Genetics Tuebingen
Classification: Likely benign. Last evaluated: 2022-09-01. Review status: criteria provided, single submitter. Criteria: CeGaT Center For Human Genetics Tuebingen Variant Classification Criteria Version 2. Collection method: clinical testing. Allele origin: germline. Affected: yes. Observed: 1 variant allele.
Comment: FAT4: BP4, BP7

NM_001291303.3(FAT4):c.1980G>A (p.Leu660=)

Gene: FAT4 (FAT atypical cadherin 4; plus strand). Cytogenetic location: 4q28.1.
Variant type: single nucleotide variant.
Coding change: c.1980G>A on transcript NM_001291303.3 (MANE Select); coding-DNA position 1980, G replaced by A.
Protein change: p.Leu660=; no amino-acid change (leucine 660 retained).
Molecular consequence: synonymous variant.
Genome position (GRCh38, 1-based): chr4:125,318,391, G>A. VCF-style: chr4-125318391-G-A. GRCh37 (hg19) VCF-style: chr4-126239546-G-A.
Other names: c.1980G>A, p.Leu660= (NM_001291285.3, NM_024582.6).
Identifiers: ClinVar variation 1385418 (VCV001385418.29), dbSNP rs1355988118, ClinGen allele CA441367070.